The following is an entry in ClinVar:

ClinVar aggregate classification (germline): Uncertain significance (0 of 4 stars; one submission).

Submission:

Martin Pollak Laboratory,  Beth Israel Deaconess Medical Center
Classification: Uncertain significance. Review status: no assertion criteria provided. Collection method: not provided. Allele origin: unknown.
Comment: Lower UCa2+ group
ClinVar note: Converted during submission from unknown to Uncertain significance.

NM_004752.4(GCM2):c.831G>T (p.Leu277Phe)

Gene: GCM2 (glial cells missing transcription factor 2; minus strand). Cytogenetic location: 6p24.2.
Variant type: single nucleotide variant.
Coding change: c.831G>T on transcript NM_004752.4 (MANE Select); coding-DNA position 831, G replaced by T.
Protein change: p.Leu277Phe; replaces leucine 277 with phenylalanine.
Molecular consequence: missense variant.
Genome position (GRCh38, 1-based): chr6:10,874,685, C>A on the plus strand (G>T on the coding strand, the complement: GCM2 is on the minus strand). VCF-style: chr6-10874685-C-A. GRCh37 (hg19) VCF-style: chr6-10874918-C-A.
Other names: short protein forms L277F.
Identifiers: ClinVar variation 64541 (VCV000064541.2), dbSNP rs369540974, ClinGen allele CA216367.